The following is an entry in ClinVar:

NM_001278431.2(C1QTNF5):c.625G>A (p.Val209Met)

Genes: C1QTNF5 (C1q and TNF related 5; minus strand), MFRP (membrane frizzled-related protein; minus strand). Cytogenetic location: 11q23.3.
Variant type: single nucleotide variant.
Coding change: c.625G>A on transcript NM_001278431.2 (MANE Select); coding-DNA position 625, G replaced by A.
Protein change: p.Val209Met; replaces valine 209 with methionine.
Molecular consequence: missense variant. On other transcripts: 3 prime UTR variant (1).
Genome position (GRCh38, 1-based): chr11:119,339,438, C>T on the plus strand (G>A on the coding strand, the complement: C1QTNF5 is on the minus strand). VCF-style: chr11-119339438-C-T. GRCh37 (hg19) VCF-style: chr11-119210148-C-T.
Other names: c.625G>A, p.Val209Met (NM_015645.5); c.*1521G>A (NM_031433.4); short protein forms V209M.
Identifiers: ClinVar variation 1480396 (VCV001480396.6), dbSNP rs770249529, ClinGen allele CA6319910.

ClinVar aggregate classification (germline): Uncertain significance (1 of 4 stars; one submission).

Allele frequency attached by ClinVar (database versions not stated): gnomAD exomes below 0.00001; ExAC 0.00001.
gnomAD v4.1: 3 of 1,614,088 alleles (0.00019%); highest among the groups gnomAD compares: South Asian, 0.0011%; no homozygotes.

Submission:

Labcorp Genetics (formerly Invitae), Labcorp
Classification: Uncertain significance. Last evaluated: 2021-09-17. Review status: criteria provided, single submitter. Criteria: Invitae Variant Classification Sherloc (09022015). Collection method: clinical testing. Allele origin: germline.
Comment: In summary, the available evidence is currently insufficient to determine the role of this variant in disease. Therefore, it has been classified as a Variant of Uncertain Significance. Algorithms developed to predict the effect of missense changes on protein structure and function (SIFT, PolyPhen-2, Align-GVGD) all suggest that this variant is likely to be tolerated. This variant has not been reported in the literature in individuals affected with C1QTNF5-related conditions. This variant is present in population databases (rs770249529, ExAC 0.002%). This sequence change replaces valine with methionine at codon 209 of the C1QTNF5 protein (p.Val209Met). The valine residue is moderately conserved and there is a small physicochemical difference between valine and methionine.